The following is an entry in ClinVar:

ClinVar aggregate classification (germline): Uncertain significance. Review status: criteria provided, multiple submitters, no conflicts (2 of 4 stars). 2 submissions from 2 submitters: Uncertain significance (2). Last evaluated 2024-07-24.

Allele frequency attached by ClinVar (database versions not stated): ExAC 0.00002; gnomAD 0.00003; TOPMed 0.00003; 1000 Genomes Project 0.00020; 1000 Genomes Project 30x 0.00031.
gnomAD v4.1: 22 of 1,613,254 alleles (0.0014%); highest among the groups gnomAD compares: Middle Eastern, 0.033%; no homozygotes.

Submissions (2):

Labcorp Genetics (formerly Invitae), Labcorp
Classification: Uncertain significance. Last evaluated: 2024-07-24. Review status: criteria provided, single submitter. Criteria: Invitae Variant Classification Sherloc (09022015). Collection method: clinical testing. Allele origin: germline.
Comment: This sequence change replaces aspartic acid, which is acidic and polar, with asparagine, which is neutral and polar, at codon 192 of the SMOC1 protein (p.Asp192Asn). This variant is present in population databases (rs199928475, gnomAD 0.01%). This variant has not been reported in the literature in individuals affected with SMOC1-related conditions. ClinVar contains an entry for this variant (Variation ID: 499265). Advanced modeling of protein sequence and biophysical properties (such as structural, functional, and spatial information, amino acid conservation, physicochemical variation, residue mobility, and thermodynamic stability) performed at Invitae indicates that this missense variant is not expected to disrupt SMOC1 protein function with a negative predictive value of 80%. In summary, the available evidence is currently insufficient to determine the role of this variant in disease. Therefore, it has been classified as a Variant of Uncertain Significance.

Eurofins Ntd Llc (ga)
Classification: Uncertain significance. Last evaluated: 2016-12-15. Review status: criteria provided, single submitter. Criteria: EGL Classification Definitions 2015. Collection method: clinical testing. Allele origin: germline. Observed: 1 variant allele, 1 heterozygote.

NM_001034852.3(SMOC1):c.574G>A (p.Asp192Asn)

Gene: SMOC1 (SPARC related modular calcium binding 1; plus strand). Cytogenetic location: 14q24.2.
Variant type: single nucleotide variant.
Coding change: c.574G>A on transcript NM_001034852.3 (MANE Select); coding-DNA position 574, G replaced by A.
Protein change: p.Asp192Asn; replaces aspartic acid 192 with asparagine.
Molecular consequence: missense variant.
Genome position (GRCh38, 1-based): chr14:69,992,464, G>A. VCF-style: chr14-69992464-G-A. GRCh37 (hg19) VCF-style: chr14-70459181-G-A.
Other names: c.574G>A, p.Asp192Asn (NM_022137.6); short protein forms D192N.
Identifiers: ClinVar variation 499265 (VCV000499265.7), dbSNP rs199928475, ClinGen allele CA7246519.